The following is an entry in ClinVar:

ClinVar aggregate classification (germline): Uncertain significance. Review status: criteria provided, multiple submitters, no conflicts (2 of 4 stars). 2 submissions from 2 submitters: Uncertain significance (2). Last evaluated 2024-03-23.

Conditions:
Charcot-Marie-Tooth disease type 2. Also called: Charcot-Marie-Tooth type 2. Identifiers: Orphanet 64746, MedGen C0270914, MONDO:0018993.

Allele frequency attached by ClinVar (database versions not stated): gnomAD exomes below 0.00001.
gnomAD v4.1: 1 of 1,613,448 alleles (0.000062%); highest among the groups gnomAD compares: Admixed American, 0.0017%; no homozygotes.

Submissions (2):

Ambry Genetics
Classification: Uncertain significance. Last evaluated: 2024-03-23. Review status: criteria provided, single submitter. Criteria: Ambry Variant Classification Scheme 2023. Collection method: clinical testing. Allele origin: germline.
Comment: The p.Q742R variant (also known as c.2225A>G), located in coding exon 22 of the KIF1B gene, results from an A to G substitution at nucleotide position 2225. The glutamine at codon 742 is replaced by arginine, an amino acid with highly similar properties. This amino acid position is conserved. In addition, this alteration is predicted to be deleterious by in silico analysis. Since supporting evidence is limited at this time, the clinical significance of this alteration remains unclear.

Labcorp Genetics (formerly Invitae), Labcorp
Classification: Uncertain significance for Charcot-Marie-Tooth disease type 2. Last evaluated: 2023-06-28. Review status: criteria provided, single submitter. Criteria: Invitae Variant Classification Sherloc (09022015). Collection method: clinical testing. Allele origin: germline.
Comment: This sequence change replaces glutamine, which is neutral and polar, with arginine, which is basic and polar, at codon 742 of the KIF1B protein (p.Gln742Arg). This variant is present in population databases (no rsID available, gnomAD 0.003%). This variant has not been reported in the literature in individuals affected with KIF1B-related conditions. ClinVar contains an entry for this variant (Variation ID: 1787982). Advanced modeling of protein sequence and biophysical properties (such as structural, functional, and spatial information, amino acid conservation, physicochemical variation, residue mobility, and thermodynamic stability) performed at Invitae indicates that this missense variant is not expected to disrupt KIF1B protein function. In summary, the available evidence is currently insufficient to determine the role of this variant in disease. Therefore, it has been classified as a Variant of Uncertain Significance.

NM_001365951.3(KIF1B):c.2363A>G (p.Gln788Arg)

Gene: KIF1B (kinesin family member 1B; plus strand). Cytogenetic location: 1p36.22.
Variant type: single nucleotide variant.
Coding change: c.2363A>G on transcript NM_001365951.3 (MANE Select); coding-DNA position 2363, A replaced by G.
Protein change: p.Gln788Arg; replaces glutamine 788 with arginine.
Molecular consequence: missense variant.
Genome position (GRCh38, 1-based): chr1:10,323,888, A>G. VCF-style: chr1-10323888-A-G. GRCh37 (hg19) VCF-style: chr1-10383946-A-G.
Other names: c.2363A>G, p.Gln788Arg (NM_001365952.1); c.2225A>G, p.Gln742Arg (NM_015074.3); short protein forms Q788R, Q742R.
Identifiers: ClinVar variation 1787982 (VCV001787982.5), dbSNP rs1226269110, ClinGen allele CA338334185.